The following is an entry in ClinVar:

ClinVar aggregate classification (germline): Likely pathogenic (1 of 4 stars; one submission).

Submissions (4):

Labcorp Genetics (formerly Invitae), Labcorp
Classification: Likely pathogenic. Last evaluated: 2025-08-11. Review status: criteria provided, single submitter. Criteria: Invitae Variant Classification Sherloc (09022015). Collection method: clinical testing. Allele origin: germline.
Comment: This sequence change affects an acceptor splice site in intron 7 of the COL4A1 gene. It is expected to disrupt RNA splicing. Variants that disrupt the donor or acceptor splice site typically lead to a loss of protein function (PMID: 16199547), and loss-of-function variants in COL4A1 are known to be pathogenic (PMID: 23225343). This variant is not present in population databases (gnomAD no frequency). This variant has not been reported in the literature in individuals affected with COL4A1-related conditions. ClinVar contains an entry for this variant (Variation ID: 2817238). Algorithms developed to predict the effect of sequence changes on RNA splicing suggest that this variant may disrupt the consensus splice site. In summary, the currently available evidence indicates that the variant is pathogenic, but additional data are needed to prove that conclusively. Therefore, this variant has been classified as Likely Pathogenic.

Dr. Peter K. Rogan Lab, Western University
No classification provided (evidence only). Condition: Nonpapillary renal cell carcinoma. Review status: no classification provided. Collection method: in vitro. Allele origin: not applicable. Functional consequence: retained intron. Not counted in ClinVar's aggregate classification.

Dr. Peter K. Rogan Lab, Western University
No classification provided (evidence only). Condition: Nonpapillary renal cell carcinoma. Review status: no classification provided. Collection method: in vitro. Allele origin: not applicable. Functional consequence: retained intron. Not counted in ClinVar's aggregate classification.

Dr. Peter K. Rogan Lab, Western University
No classification provided (evidence only). Condition: Nonpapillary renal cell carcinoma. Review status: no classification provided. Collection method: in vitro. Allele origin: not applicable. Functional consequence: retained intron. Not counted in ClinVar's aggregate classification.

Literature cited by the submitters: PubMed 16199547 (cited by Labcorp Genetics (formerly Invitae), Labcorp); PubMed 23225343 (cited by Labcorp Genetics (formerly Invitae), Labcorp).

NM_001845.6(COL4A1):c.442-1G>C

Gene: COL4A1 (collagen type IV alpha 1 chain; minus strand). Cytogenetic location: 13q34.
Variant type: single nucleotide variant.
Coding change: c.442-1G>C on transcript NM_001845.6 (MANE Select); the canonical splice acceptor site of the intron before coding-DNA position 442, G replaced by C.
Molecular consequence: splice acceptor variant.
Genome position (GRCh38, 1-based): chr13:110,211,674, C>G on the plus strand (G>C on the coding strand, the complement: COL4A1 is on the minus strand). VCF-style: chr13-110211674-C-G. GRCh37 (hg19) VCF-style: chr13-110864021-C-G.
Other names: c.442-1G>C (NM_001303110.2).
Identifiers: ClinVar variation 2817238 (VCV002817238.4), dbSNP rs2501600650, ClinGen allele CA388726123.